The following is an entry in ClinVar:

ClinVar aggregate classification (germline): Likely benign (0 of 4 stars; one submission).

Conditions:
SETD1A-related disorder. Also called: SETD1A-related condition.

Allele frequency attached by ClinVar (database versions not stated): TOPMed 0.00002; gnomAD 0.00005; gnomAD exomes 0.00006; ExAC 0.00015; 1000 Genomes Project 30x 0.00016; ESP Exome Variant Server 0.00016; 1000 Genomes Project 0.00020.
gnomAD v4.1: 90 of 1,611,470 alleles (0.0056%); highest among the groups gnomAD compares: South Asian, 0.071%; 2 homozygotes.

Submission:

PreventionGenetics, part of Exact Sciences
Classification: Likely benign for SETD1A-related condition. Last evaluated: 2021-02-15. Review status: no assertion criteria provided. Collection method: clinical testing. Allele origin: germline.
Comment: This variant is classified as likely benign based on ACMG/AMP sequence variant interpretation guidelines (Richards et al. 2015 PMID: 25741868, with internal and published modifications).

NM_014712.3(SETD1A):c.3622C>T (p.Arg1208Cys)

Gene: SETD1A (SET domain containing 1A, histone lysine methyltransferase; plus strand). Cytogenetic location: 16p11.2.
Variant type: single nucleotide variant.
Coding change: c.3622C>T on transcript NM_014712.3 (MANE Select); coding-DNA position 3622, C replaced by T.
Protein change: p.Arg1208Cys; replaces arginine 1208 with cysteine.
Molecular consequence: missense variant.
Genome position (GRCh38, 1-based): chr16:30,979,408, C>T. VCF-style: chr16-30979408-C-T. GRCh37 (hg19) VCF-style: chr16-30990729-C-T.
Other names: short protein forms R1208C.
Identifiers: ClinVar variation 3030763 (VCV003030763.2), dbSNP rs371646434, ClinGen allele CA8017339.